The following is an entry in ClinVar:

NM_001388492.1(HTT):c.2698-9T>G

Gene: HTT (huntingtin; plus strand). Cytogenetic location: 4p16.3.
Variant type: single nucleotide variant.
Coding change: c.2698-9T>G on transcript NM_001388492.1 (MANE Select); 9 bases into the intron before coding-DNA position 2698, T replaced by G.
Molecular consequence: intron variant.
Genome position (GRCh38, 1-based): chr4:3,136,217, T>G. VCF-style: chr4-3136217-T-G. GRCh37 (hg19) VCF-style: chr4-3137944-T-G.
Other names: c.2698-9T>G (NM_002111.8).
Identifiers: ClinVar variation 1492088 (VCV001492088.8), dbSNP rs2110193496, ClinGen allele CA2573137542.

ClinVar aggregate classification (germline): Uncertain significance (1 of 4 stars; one submission).

Allele frequency attached by ClinVar (database versions not stated): gnomAD exomes below 0.00001.
gnomAD v4.1: 2 of 1,556,378 alleles (0.00013%); highest among the groups gnomAD compares: Non-Finnish European, 0.00018%; no homozygotes.

Submission:

Labcorp Genetics (formerly Invitae), Labcorp
Classification: Uncertain significance. Last evaluated: 2020-12-08. Review status: criteria provided, single submitter. Criteria: Invitae Variant Classification Sherloc (09022015). Collection method: clinical testing. Allele origin: germline.
Comment: This variant is not present in population databases (ExAC no frequency). In summary, the available evidence is currently insufficient to determine the role of this variant in disease. Therefore, it has been classified as a Variant of Uncertain Significance. Algorithms developed to predict the effect of sequence changes on RNA splicing suggest that this variant may disrupt the consensus splice site, but this prediction has not been confirmed by published transcriptional studies. This variant has not been reported in the literature in individuals with HTT-related conditions. This sequence change falls in intron 20 of the HTT gene. It does not directly change the encoded amino acid sequence of the HTT protein.